The following is an entry in ClinVar:

NM_178140.4(PDZD2):c.3927G>A (p.Ser1309=)

Gene: PDZD2 (PDZ domain containing 2; plus strand). Cytogenetic location: 5p13.3.
Variant type: single nucleotide variant.
Coding change: c.3927G>A on transcript NM_178140.4 (MANE Select); coding-DNA position 3927, G replaced by A.
Protein change: p.Ser1309=; no amino-acid change (serine 1309 retained).
Molecular consequence: synonymous variant.
Genome position (GRCh38, 1-based): chr5:32,087,375, G>A. VCF-style: chr5-32087375-G-A. GRCh37 (hg19) VCF-style: chr5-32087481-G-A.
Identifiers: ClinVar variation 3053405 (VCV003053405.2), dbSNP rs377229414, ClinGen allele CA3219614.

ClinVar aggregate classification (germline): Likely benign (0 of 4 stars; one submission).

Conditions:
PDZD2-related disorder. Also called: PDZD2-related condition.

Allele frequency attached by ClinVar (database versions not stated): gnomAD 0.00009; TOPMed 0.00013; ESP Exome Variant Server 0.00015.
gnomAD v4.1: 120 of 1,614,046 alleles (0.0074%); highest among the groups gnomAD compares: Admixed American, 0.047%; no homozygotes.

Submission:

PreventionGenetics, part of Exact Sciences
Classification: Likely benign for PDZD2-related condition. Last evaluated: 2019-08-27. Review status: no assertion criteria provided. Collection method: clinical testing. Allele origin: germline.
Comment: This variant is classified as likely benign based on ACMG/AMP sequence variant interpretation guidelines (Richards et al. 2015 PMID: 25741868, with internal and published modifications).